The following is an entry in ClinVar:

NM_001291867.2(NHS):c.4428T>G (p.Ser1476Arg)

Gene: NHS (NHS actin remodeling regulator; plus strand). Cytogenetic location: Xp22.13.
Variant type: single nucleotide variant.
Coding change: c.4428T>G on transcript NM_001291867.2 (MANE Select); coding-DNA position 4428, T replaced by G.
Protein change: p.Ser1476Arg; replaces serine 1476 with arginine.
Molecular consequence: missense variant.
Genome position (GRCh38, 1-based): chrX:17,731,936, T>G. VCF-style: chrX-17731936-T-G. GRCh37 (hg19) VCF-style: chrX-17750056-T-G.
Other names: c.3897T>G, p.Ser1299Arg (NM_001136024.4); c.3834T>G, p.Ser1278Arg (NM_001291868.2); c.4365T>G, p.Ser1455Arg (NM_198270.4); short protein forms S1278R, S1299R, S1455R, S1476R.
Identifiers: ClinVar variation 1698183 (VCV001698183.2), dbSNP rs2147148256, ClinGen allele CA412370343.

ClinVar aggregate classification (germline): Uncertain significance (1 of 4 stars; one submission).

Submission:

GeneDx
Classification: Uncertain significance. Last evaluated: 2022-01-24. Review status: criteria provided, single submitter. Criteria: GeneDx Variant Classification Process June 2021. Collection method: clinical testing. Allele origin: germline. Affected: yes.
Comment: Not observed at significant frequency in large population cohorts (gnomAD); In silico analysis supports that this missense variant does not alter protein structure/function; Has not been previously published as pathogenic or benign to our knowledge